The following is an entry in ClinVar:

ClinVar aggregate classification (germline): Uncertain significance (1 of 4 stars; one submission).

Conditions:
Mucopolysaccharidosis, MPS-III-C (MPS3C). Also called: SANFILIPPO SYNDROME C; MPS III C; mucopolysaccharidosis type 3C; MUCOPOLYSACCHARIDOSIS, TYPE IIIC; MPS IIIC (Sanfilippo Syndrome Type C); Mucopolysaccharidosis type IIIC (Sanfilippo C). Identifiers: Orphanet 581, Orphanet 79271, MedGen C0086649, MONDO:0009657, OMIM 252930.
Retinitis pigmentosa 73 (RP73). Identifiers: Orphanet 791, MedGen C4225287, MONDO:0014687, OMIM 616544.

gnomAD v4.1: 1 of 1,608,428 alleles (0.000062%); no homozygotes.

Submission:

Labcorp Genetics (formerly Invitae), Labcorp
Classification: Uncertain significance for Retinitis pigmentosa 73; Mucopolysaccharidosis, MPS-III-C. Last evaluated: 2022-02-01. Review status: criteria provided, single submitter. Criteria: Invitae Variant Classification Sherloc (09022015). Collection method: clinical testing. Allele origin: germline.
Comment: Advanced modeling of protein sequence and biophysical properties (such as structural, functional, and spatial information, amino acid conservation, physicochemical variation, residue mobility, and thermodynamic stability) performed at Invitae indicates that this missense variant is expected to disrupt HGSNAT protein function. This sequence change replaces proline, which is neutral and non-polar, with arginine, which is basic and polar, at codon 422 of the HGSNAT protein (p.Pro422Arg). This variant is not present in population databases (gnomAD no frequency). This variant has not been reported in the literature in individuals affected with HGSNAT-related conditions. In summary, the available evidence is currently insufficient to determine the role of this variant in disease. Therefore, it has been classified as a Variant of Uncertain Significance.

NM_152419.3(HGSNAT):c.1265C>G (p.Pro422Arg)

Gene: HGSNAT (heparan-alpha-glucosaminide N-acetyltransferase; plus strand). Cytogenetic location: 8p11.21.
Variant type: single nucleotide variant.
Coding change: c.1265C>G on transcript NM_152419.3 (MANE Select); coding-DNA position 1265, C replaced by G.
Protein change: p.Pro422Arg; replaces proline 422 with arginine.
Molecular consequence: missense variant.
Genome position (GRCh38, 1-based): chr8:43,192,318, C>G. VCF-style: chr8-43192318-C-G. GRCh37 (hg19) VCF-style: chr8-43047461-C-G.
Other names: c.1265C>G, p.Pro422Arg (NM_001363227.2); c.1073C>G, p.Pro358Arg (NM_001363228.2); c.401C>G, p.Pro134Arg (NM_001363229.2); short protein forms P358R, P422R, P134R.
Identifiers: ClinVar variation 2091388 (VCV002091388.4), dbSNP rs2487088837, ClinGen allele CA371119563.